The following is an entry in ClinVar:

NM_006662.3(SRCAP):c.9497A>T (p.Glu3166Val)

Gene: SRCAP (Snf2 related CREBBP activator protein; plus strand). Cytogenetic location: 16p11.2.
Variant type: single nucleotide variant.
Coding change: c.9497A>T on transcript NM_006662.3 (MANE Select); coding-DNA position 9497, A replaced by T.
Protein change: p.Glu3166Val; replaces glutamic acid 3166 with valine.
Molecular consequence: missense variant.
Genome position (GRCh38, 1-based): chr16:30,739,537, A>T. VCF-style: chr16-30739537-A-T. GRCh37 (hg19) VCF-style: chr16-30750858-A-T.
Other names: c.9497A>T (NM_006662.2); short protein forms E3166V.
Identifiers: ClinVar variation 1394923 (VCV001394923.12), dbSNP rs530672259, ClinGen allele CA8012938.

ClinVar aggregate classification (germline): Conflicting classifications of pathogenicity. Review status: criteria provided, conflicting classifications (1 of 4 stars). 4 submissions from 4 submitters: Uncertain significance (3); Likely benign (1). Last evaluated 2025-12-07.

Conditions:
Developmental delay, hypotonia, musculoskeletal defects, and behavioral abnormalities. Identifiers: MedGen C5562012, MONDO:0859202, OMIM 619595.
Floating-Harbor syndrome (FLHS). Also called: Short stature with delayed bone age, expressive language delay, a triangular face with a prominent nose and deep-set eyes; Pelletier-Leisti syndrome; SRCAP-Related Floating-Harbor Syndrome. Identifiers: Orphanet 2044, MedGen C0729582, MONDO:0007621, OMIM 136140.
SRCAP-related disorder. Also called: SRCAP-related condition.
Inborn genetic diseases. Identifiers: MedGen C0950123, MeSH D030342.

Allele frequency attached by ClinVar (database versions not stated): gnomAD 0.00004; gnomAD exomes 0.00005; ExAC 0.00009; 1000 Genomes Project 30x 0.00016; 1000 Genomes Project 0.00020.
gnomAD v4.1: 51 of 1,610,852 alleles (0.0032%); highest among the groups gnomAD compares: Admixed American, 0.005%; no homozygotes.

Submissions (4):

PreventionGenetics, part of Exact Sciences
Classification: Uncertain significance for SRCAP-related condition. Last evaluated: 2025-12-07. Review status: criteria provided, single submitter. Criteria: ACMG Guidelines, 2015. Collection method: clinical testing. Allele origin: germline.
Comment: The SRCAP c.9497A>T variant is predicted to result in the amino acid substitution p.Glu3166Val. To our knowledge, this variant has not been reported in the literature. This variant is reported in 0.011% of alleles in individuals of European (Non-Finnish) descent in gnomAD. Although we suspect that this variant may be benign, at this time, the clinical significance of this variant is uncertain due to the absence of conclusive functional and genetic evidence.

Fulgent Genetics
Classification: Uncertain significance for Floating-Harbor syndrome; Developmental delay, hypotonia, musculoskeletal defects, and behavioral abnormalities. Last evaluated: 2024-06-19. Review status: criteria provided, single submitter. Criteria: ACMG Guidelines, 2015. Collection method: clinical testing. Allele origin: germline.

Ambry Genetics
Classification: Likely benign for Inborn genetic diseases. Last evaluated: 2024-03-14. Review status: criteria provided, single submitter. Criteria: Ambry Variant Classification Scheme 2023. Collection method: clinical testing. Allele origin: germline.

Labcorp Genetics (formerly Invitae), Labcorp
Classification: Uncertain significance. Last evaluated: 2022-12-19. Review status: criteria provided, single submitter. Criteria: Invitae Variant Classification Sherloc (09022015). Collection method: clinical testing. Allele origin: germline.
Comment: In summary, the available evidence is currently insufficient to determine the role of this variant in disease. Therefore, it has been classified as a Variant of Uncertain Significance. Advanced modeling of protein sequence and biophysical properties (such as structural, functional, and spatial information, amino acid conservation, physicochemical variation, residue mobility, and thermodynamic stability) performed at Invitae indicates that this missense variant is not expected to disrupt SRCAP protein function. ClinVar contains an entry for this variant (Variation ID: 1394923). This variant has not been reported in the literature in individuals affected with SRCAP-related conditions. This variant is present in population databases (rs530672259, gnomAD 0.01%). This sequence change replaces glutamic acid, which is acidic and polar, with valine, which is neutral and non-polar, at codon 3166 of the SRCAP protein (p.Glu3166Val).